The following is an entry in ClinVar:

ClinVar aggregate classification (germline): Uncertain significance. Review status: criteria provided, multiple submitters, no conflicts (2 of 4 stars). 3 submissions from 3 submitters: Uncertain significance (3). Last evaluated 2024-08-28.

Conditions:
Cardiomyopathy (CMYO). Also called: Cardiomyopathies. Identifiers: Orphanet 167848, MedGen C0878544, MONDO:0004994, HP:0001638. Inheritance: Various modes of inheritance.

Allele frequency attached by ClinVar (database versions not stated): gnomAD exomes 0.00001.
gnomAD v4.1: 5 of 1,614,172 alleles (0.00031%); highest among the groups gnomAD compares: Middle Eastern, 0.049%; no homozygotes.

Submissions (3):

Mayo Clinic Laboratories, Mayo Clinic
Classification: Uncertain significance. Last evaluated: 2024-08-28. Review status: criteria provided, single submitter. Criteria: ACMG Guidelines, 2015. Collection method: clinical testing. Allele origin: germline. Observed: 1 variant allele.
Comment: PM2

Color Diagnostics, LLC DBA Color Health
Classification: Uncertain significance for Cardiomyopathy. Last evaluated: 2018-10-23. Review status: criteria provided, single submitter. Criteria: ACMG Guidelines, 2015. Collection method: clinical testing. Allele origin: germline.
Comment: Variant of Uncertain Significance due to insufficient evidence: This missense variant is located in the central rod domain of the DSP protein that is thought to form a dimeric coiled coil. Computational prediction tools and conservation analyses are inconclusive regarding the impact of this variant on the protein function. Computational splicing tools suggest that this variant may not impact RNA splicing. To our knowledge, functional assays have not been performed for this variant nor has this variant been reported in individuals affected with cardiovascular disorders in the literature. This variant is rare in the general population and has been identified in 0/277264 chromosomes by the Genome Aggregation Database (gnomAD). Available evidence is insufficient to determine the pathogenicity of this variant conclusively.

Laboratory for Molecular Medicine, Mass General Brigham Personalized Medicine
Classification: Uncertain significance. Last evaluated: 2016-10-07. Review status: criteria provided, single submitter. Criteria: LMM Criteria. Collection method: clinical testing. Allele origin: germline. Observed: 1 variant allele.
Comment: The p.Ile1703Phe variant in DSP has not been previously reported in individuals with cardiomyopathy or in large population studies. Computational prediction too ls and conservation analysis do not provide strong support for or against an imp act to the protein. In summary, the clinical significance of the p.Ile1703Phe va riant is uncertain.

Literature cited by the submitters: PubMed 37652022 (cited by Mayo Clinic Laboratories, Mayo Clinic).

NM_004415.4(DSP):c.5107A>T (p.Ile1703Phe)

Gene: DSP (desmoplakin; plus strand). Cytogenetic location: 6p24.3.
Variant type: single nucleotide variant.
Coding change: c.5107A>T on transcript NM_004415.4 (MANE Select); coding-DNA position 5107, A replaced by T.
Protein change: p.Ile1703Phe; replaces isoleucine 1703 with phenylalanine.
Molecular consequence: missense variant. On other transcripts: intron variant (2).
Genome position (GRCh38, 1-based): chr6:7,581,297, A>T. VCF-style: chr6-7581297-A-T. GRCh37 (hg19) VCF-style: chr6-7581530-A-T.
Other names: c.4050+1057A>T (NM_001319034.2); c.3583-1345A>T (NM_001008844.3); short protein forms I1703F.
Identifiers: ClinVar variation 505354 (VCV000505354.7), dbSNP rs868035157, ClinGen allele CA133970741.